The following is an entry in ClinVar:

NM_000051.4(ATM):c.4228A>G (p.Lys1410Glu)

Gene: ATM (ATM serine/threonine kinase; plus strand). Cytogenetic location: 11q22.3.
Variant type: single nucleotide variant.
Coding change: c.4228A>G on transcript NM_000051.4 (MANE Select); coding-DNA position 4228, A replaced by G.
Protein change: p.Lys1410Glu; replaces lysine 1410 with glutamic acid.
Molecular consequence: missense variant.
Genome position (GRCh38, 1-based): chr11:108,289,095, A>G. VCF-style: chr11-108289095-A-G. GRCh37 (hg19) VCF-style: chr11-108159822-A-G.
Other names: c.4228A>G, p.Lys1410Glu (NM_001351834.2); short protein forms K1410E.
Identifiers: ClinVar variation 4866034 (VCV004866034.1).
Genomic context (GRCh38, chr11:108,289,095, plus strand): 5'-TTTGCCTATATCAGCAATTGTCATAAAACCAAGTTAAAAAGCATTTTAGAAATTCTTTCC[A>G]AAAGCCCTGTAAGTATACATGATGAGTTTAATAATAGAACATTCCTTCTTTTTTAGCTAA-3'
Protein context (NP_000042.3, residues 1400-1420): KLKSILEILS[Lys1410Glu]SPDSYQKILL

ClinVar aggregate classification (germline): Uncertain significance (1 of 4 stars; one submission).

Conditions:
Hereditary cancer-predisposing syndrome. Also called: Neoplastic Syndromes, Hereditary; Tumor predisposition; Hereditary Cancer Syndrome; Hereditary neoplastic syndrome. Identifiers: Orphanet 140162, MedGen C0027672, MeSH D009386, MONDO:0015356.

Submission:

Ambry Genetics
Classification: Uncertain significance for Hereditary cancer-predisposing syndrome. Last evaluated: 2026-03-25. Review status: criteria provided, single submitter. Criteria: Ambry Variant Classification Scheme 2023. Collection method: clinical testing. Allele origin: germline.
Comment: The p.K1410E variant (also known as c.4228A>G), located in coding exon 27 of the ATM gene, results from an A to G substitution at nucleotide position 4228. The lysine at codon 1410 is replaced by glutamic acid, an amino acid with similar properties. In an assay testing ATM function, this variant showed a functionally normal result (Lee KS et al. Cell, 2025 Sep;188:5081-5099.e27). This amino acid position is well conserved in available vertebrate species. In addition, the in silico prediction for this alteration is inconclusive. Based on the available evidence, the clinical significance of this variant remains unclear.

Literature cited by the submitters: PubMed 40580951.